The following is an entry in ClinVar:

ClinVar aggregate classification (germline): Uncertain significance (1 of 4 stars; one submission).

Conditions:
Neurodevelopmental disorder with or without hyperkinetic movements and seizures, autosomal dominant. Also called: Intellectual disability, autosomal dominant 8. Identifiers: MedGen C3280282, MONDO:0013655, OMIM 614254.

Submission:

Labcorp Genetics (formerly Invitae), Labcorp
Classification: Uncertain significance for Neurodevelopmental disorder with or without hyperkinetic movements and seizures, autosomal dominant. Last evaluated: 2023-12-18. Review status: criteria provided, single submitter. Criteria: Invitae Variant Classification Sherloc (09022015). Collection method: clinical testing. Allele origin: germline.
Comment: This sequence change replaces alanine, which is neutral and non-polar, with valine, which is neutral and non-polar, at codon 291 of the GRIN1 protein (p.Ala291Val). This variant is not present in population databases (gnomAD no frequency). This variant has not been reported in the literature in individuals affected with GRIN1-related conditions. Advanced modeling of protein sequence and biophysical properties (such as structural, functional, and spatial information, amino acid conservation, physicochemical variation, residue mobility, and thermodynamic stability) has been performed at Invitae for this missense variant, however the output from this modeling did not meet the statistical confidence thresholds required to predict the impact of this variant on GRIN1 protein function. In summary, the available evidence is currently insufficient to determine the role of this variant in disease. Therefore, it has been classified as a Variant of Uncertain Significance.

NM_007327.4(GRIN1):c.872C>T (p.Ala291Val)

Gene: GRIN1 (glutamate ionotropic receptor NMDA type subunit 1; plus strand). Cytogenetic location: 9q34.3.
Variant type: single nucleotide variant.
Coding change: c.872C>T on transcript NM_007327.4 (MANE Select); coding-DNA position 872, C replaced by T.
Protein change: p.Ala291Val; replaces alanine 291 with valine.
Molecular consequence: missense variant.
Genome position (GRCh38, 1-based): chr9:137,156,941, C>T. VCF-style: chr9-137156941-C-T. GRCh37 (hg19) VCF-style: chr9-140051393-C-T.
Other names: c.872C>T, p.Ala291Val (NM_000832.7, NM_021569.4); c.935C>T, p.Ala312Val (NM_001185090.2, NM_001185091.2); short protein forms A312V, A291V.
Identifiers: ClinVar variation 2725465 (VCV002725465.3), dbSNP rs1404343272, ClinGen allele CA375715060.